The following is an entry in ClinVar:

NM_005148.4(UNC119):c.199G>T (p.Gly67Trp)

Genes: UNC119 (unc-119 lipid binding chaperone; minus strand), LOC130060555 (ATAC-STARR-seq lymphoblastoid silent region 8343; plus strand). Cytogenetic location: 17q11.2.
Variant type: single nucleotide variant.
Coding change: c.199G>T on transcript NM_005148.4 (MANE Select); coding-DNA position 199, G replaced by T.
Protein change: p.Gly67Trp; replaces glycine 67 with tryptophan.
Molecular consequence: missense variant. On other transcripts: 5 prime UTR variant (1).
Genome position (GRCh38, 1-based): chr17:28,552,359, C>A on the plus strand (G>T on the coding strand, the complement: UNC119 is on the minus strand). VCF-style: chr17-28552359-C-A. GRCh37 (hg19) VCF-style: chr17-26879377-C-A.
Other names: c.199G>T (NM_005148.3); c.-115G>T (NM_001330166.2); c.199G>T, p.Gly67Trp (NM_054035.2); short protein forms G67W.
Identifiers: ClinVar variation 1478293 (VCV001478293.9), dbSNP rs781259828, ClinGen allele CA8459895.
Genomic context (GRCh38, chr17:28,552,359, plus strand): 5'-CTTCCCACCCGCGGGCGGCGCTCCCTCGCGGGTGCTCACCACCGGTGATCCGCTGCAGCC[C>A]CAGCACGTCCTCCGGCCCGATCGGCTGCTTCCTCTGCAGCGGCCCCGGCCTGGGCCCTGG-3'
Protein context (NP_005139.1, residues 57-77): KQPIGPEDVL[Gly67Trp]LQRITGDYLC

ClinVar aggregate classification (germline): Uncertain significance. Review status: criteria provided, multiple submitters, no conflicts (2 of 4 stars). 2 submissions from 2 submitters: Uncertain significance (2). Last evaluated 2025-11-07.

Allele frequency attached by ClinVar (database versions not stated): gnomAD exomes below 0.00001 and 0.00001; TOPMed below 0.00001.
gnomAD v4.1: 6 of 1,539,918 alleles (0.00039%); highest among the groups gnomAD compares: Admixed American, 0.0019%; no homozygotes.

Submissions (2):

Ambry Genetics
Classification: Uncertain significance. Last evaluated: 2025-11-07. Review status: criteria provided, single submitter. Criteria: Ambry Variant Classification Scheme 2023. Collection method: clinical testing. Allele origin: germline.

Labcorp Genetics (formerly Invitae), Labcorp
Classification: Uncertain significance. Last evaluated: 2022-06-20. Review status: criteria provided, single submitter. Criteria: Invitae Variant Classification Sherloc (09022015). Collection method: clinical testing. Allele origin: germline.
Comment: In summary, the available evidence is currently insufficient to determine the role of this variant in disease. Therefore, it has been classified as a Variant of Uncertain Significance. Algorithms developed to predict the effect of missense changes on protein structure and function are either unavailable or do not agree on the potential impact of this missense change (SIFT: "Not Available"; PolyPhen-2: "Probably Damaging"; Align-GVGD: "Not Available"). This variant has not been reported in the literature in individuals affected with UNC119-related conditions. The frequency data for this variant in the population databases is considered unreliable, as metrics indicate poor data quality at this position in the gnomAD database. This sequence change replaces glycine, which is neutral and non-polar, with tryptophan, which is neutral and slightly polar, at codon 67 of the UNC119 protein (p.Gly67Trp).